The following is an entry in ClinVar:

ClinVar aggregate classification (germline): Conflicting classifications of pathogenicity. Review status: criteria provided, conflicting classifications (1 of 4 stars). 2 submissions from 2 submitters: Uncertain significance (1); Benign (1). Last evaluated 2023-06-03.

Conditions:
Inborn genetic diseases. Identifiers: MedGen C0950123, MeSH D030342.

Allele frequency attached by ClinVar (database versions not stated): ExAC 0.00001.

Submissions (2):

Labcorp Genetics (formerly Invitae), Labcorp
Classification: Benign. Last evaluated: 2023-06-03. Review status: criteria provided, single submitter. Criteria: Invitae Variant Classification Sherloc (09022015). Collection method: clinical testing. Allele origin: germline.

Ambry Genetics
Classification: Uncertain significance for Inborn genetic diseases. Last evaluated: 2017-12-29. Review status: criteria provided, single submitter. Criteria: Ambry Variant Classification Scheme 2023. Collection method: clinical testing. Allele origin: germline.
Comment: The p.N95S variant (also known as c.284A>G), located in coding exon 1 of the MID1 gene, results from an A to G substitution at nucleotide position 284. The asparagine at codon 95 is replaced by serine, an amino acid with highly similar properties. This amino acid position is highly conserved in available vertebrate species. In addition, this alteration is predicted to be tolerated by in silico analysis. Since supporting evidence is limited at this time, the clinical significance of this alteration remains unclear.

NM_000381.4(MID1):c.284A>G (p.Asn95Ser)

Gene: MID1 (midline 1; minus strand). Cytogenetic location: Xp22.2.
Variant type: single nucleotide variant.
Coding change: c.284A>G on transcript NM_000381.4 (MANE Select); coding-DNA position 284, A replaced by G.
Protein change: p.Asn95Ser; replaces asparagine 95 with serine.
Molecular consequence: missense variant.
Genome position (GRCh38, 1-based): chrX:10,567,264, T>C on the plus strand (A>G on the coding strand, the complement: MID1 is on the minus strand). VCF-style: chrX-10567264-T-C. GRCh37 (hg19) VCF-style: chrX-10535304-T-C.
Other names: c.284A>G, p.Asn95Ser (NM_001098624.2, NM_001193277.1, NM_001193278.1 and 5 more transcripts); short protein forms N95S.
Identifiers: ClinVar variation 1796806 (VCV001796806.5), dbSNP rs780339406, ClinGen allele CA10347712.